The following is an entry in ClinVar:

NM_000334.4(SCN4A):c.4017+240T>C

Genes: GH-LCR (growth hormone locus control region; plus strand), SCN4A (sodium voltage-gated channel alpha subunit 4; minus strand). Cytogenetic location: 17q23.3.
Variant type: single nucleotide variant.
Coding change: c.4017+240T>C on transcript NM_000334.4 (MANE Select); 240 bases into the intron after coding-DNA position 4017, T replaced by C.
Molecular consequence: intron variant.
Genome position (GRCh38, 1-based): chr17:63,943,506, A>G on the plus strand (T>C on the coding strand, the complement: SCN4A is on the minus strand). VCF-style: chr17-63943506-A-G. GRCh37 (hg19) VCF-style: chr17-62020866-A-G.
Identifiers: ClinVar variation 669356 (VCV000669356.1), dbSNP rs8074344, ClinGen allele CA14408164.

ClinVar aggregate classification (germline): Benign (1 of 4 stars; one submission).

Allele frequency attached by ClinVar (database versions not stated): 1000 Genomes Project 0.55591; 1000 Genomes Project 30x 0.55856; gnomAD 0.60734 and 0.61842; TOPMed 0.61459.
gnomAD v4.1: 92,285 of 151,832 alleles (61%); highest among the groups gnomAD compares: African/African-American, 72%; 28,582 homozygotes.

Submission:

GeneDx
Classification: Benign. Last evaluated: 2018-06-14. Review status: criteria provided, single submitter. Criteria: GeneDx Variant Classification (06012015). Collection method: clinical testing. Allele origin: germline. Affected: yes.
Comment: This variant is considered likely benign or benign based on one or more of the following criteria: it is a conservative change, it occurs at a poorly conserved position in the protein, it is predicted to be benign by multiple in silico algorithms, and/or has population frequency not consistent with disease.